The following is an entry in ClinVar:

ClinVar aggregate classification (germline): Uncertain significance (1 of 4 stars; one submission).

Conditions:
Early-infantile DEE. Also called: Ohtahara syndrome; Early infantile epileptic encephalopathy with suppression bursts; Early infantile epileptic encephalopathy. Identifiers: Orphanet 1934, MedGen C0393706, MONDO:0800491.

Allele frequency attached by ClinVar (database versions not stated): gnomAD exomes 0.00001; TOPMed 0.00003.
gnomAD v4.1: 11 of 1,613,964 alleles (0.00068%); highest among the groups gnomAD compares: East Asian, 0.0022%; no homozygotes.

Submission:

Labcorp Genetics (formerly Invitae), Labcorp
Classification: Uncertain significance for Early-infantile DEE. Last evaluated: 2025-11-09. Review status: criteria provided, single submitter. Criteria: Invitae Variant Classification Sherloc (09022015). Collection method: clinical testing. Allele origin: germline.
Comment: This sequence change replaces arginine, which is basic and polar, with glutamine, which is neutral and polar, at codon 1907 of the SCN8A protein (p.Arg1907Gln). This variant is present in population databases (no rsID available, gnomAD 0.006%). This missense change has been observed in individual(s) with clinical features of SCN8A-related conditions (internal data). ClinVar contains an entry for this variant (Variation ID: 1469535). Invitae Evidence Modeling of protein sequence and biophysical properties (such as structural, functional, and spatial information, amino acid conservation, physicochemical variation, residue mobility, and thermodynamic stability) indicates that this missense variant is not expected to disrupt SCN8A protein function with a negative predictive value of 95%. In summary, the available evidence is currently insufficient to determine the role of this variant in disease. Therefore, it has been classified as a Variant of Uncertain Significance.

NM_001330260.2(SCN8A):c.5720G>A (p.Arg1907Gln)

Gene: SCN8A (sodium voltage-gated channel alpha subunit 8; plus strand). Cytogenetic location: 12q13.13.
Variant type: single nucleotide variant.
Coding change: c.5720G>A on transcript NM_001330260.2 (MANE Select); coding-DNA position 5720, G replaced by A.
Protein change: p.Arg1907Gln; replaces arginine 1907 with glutamine.
Molecular consequence: missense variant.
Genome position (GRCh38, 1-based): chr12:51,807,206, G>A. VCF-style: chr12-51807206-G-A. GRCh37 (hg19) VCF-style: chr12-52200990-G-A.
Other names: c.5597G>A, p.Arg1866Gln (NM_001177984.3, NM_001369788.1); c.5720G>A, p.Arg1907Gln (NM_014191.4); short protein forms R1907Q, R1866Q.
Identifiers: ClinVar variation 1469535 (VCV001469535.7), dbSNP rs1442612004, ClinGen allele CA384888867.